The following is an entry in ClinVar:

NM_004700.4(KCNQ4):c.438G>A (p.Glu146=)

Gene: KCNQ4 (potassium voltage-gated channel subfamily Q member 4; plus strand). Cytogenetic location: 1p34.2.
Variant type: single nucleotide variant.
Coding change: c.438G>A on transcript NM_004700.4 (MANE Select); coding-DNA position 438, G replaced by A.
Protein change: p.Glu146=; no amino-acid change (glutamic acid 146 retained).
Molecular consequence: synonymous variant.
Genome position (GRCh38, 1-based): chr1:40,818,196, G>A. VCF-style: chr1-40818196-G-A. GRCh37 (hg19) VCF-style: chr1-41283868-G-A.
Other names: c.438G>A, p.Glu146= (NM_172163.3).
Identifiers: ClinVar variation 178387 (VCV000178387.31), dbSNP rs144434662, ClinGen allele CA182231.
Genomic context (GRCh38, chr1:40,818,196, plus strand): 5'-ACCAGAACTCAGGCCCCTGGTCCCACAGGAATTCGTGATGATCGTGGTTTTCGGCTTGGA[G>A]TACATCGTCCGGGTCTGGTCCGCCGGATGCTGCTGCCGCTACCGAGGATGGCAGGGTCGC-3'
Protein context (NP_004691.2, residues 136-156): EFVMIVVFGL[Glu146=]YIVRVWSAGC

ClinVar aggregate classification (germline): Likely benign. Review status: criteria provided, multiple submitters, no conflicts (2 of 4 stars). 7 submissions from 7 submitters: Likely benign (7). Last evaluated 2026-04-07.

Conditions:
KCNQ4-related disorder. Also called: KCNQ4-related condition.
Autosomal dominant nonsyndromic hearing loss 2A. Also called: Autosomal dominant nonsyndromic deafness 2A; DFNA2 Nonsyndromic Hearing Loss; Deafness, autosomal dominant 2A. Identifiers: Orphanet 90635, MedGen C2677637, MONDO:0010817, OMIM 600101.

Allele frequency attached by ClinVar (database versions not stated): gnomAD exomes 0.00014 and 0.00015; ESP Exome Variant Server 0.00015; ExAC 0.00017; 1000 Genomes Project 0.00020; gnomAD 0.00025 and 0.00026; 1000 Genomes Project 30x 0.00031; TOPMed 0.00048.

Submissions (7):

PreventionGenetics, part of Exact Sciences
Classification: Likely benign for KCNQ4-related condition. Last evaluated: 2026-04-07. Review status: criteria provided, single submitter. Criteria: ACMG Guidelines, 2015. Collection method: clinical testing. Allele origin: germline.
Comment: This variant is classified as likely benign based on ACMG/AMP sequence variant interpretation guidelines (Richards et al. 2015 PMID: 25741868, with internal and published modifications).

Labcorp Genetics (formerly Invitae), Labcorp
Classification: Likely benign. Last evaluated: 2025-11-01. Review status: criteria provided, single submitter. Criteria: Invitae Variant Classification Sherloc (09022015). Collection method: clinical testing. Allele origin: germline.

CeGaT Center for Human Genetics Tuebingen
Classification: Likely benign. Last evaluated: 2024-10-01. Review status: criteria provided, single submitter. Criteria: CeGaT Center For Human Genetics Tuebingen Variant Classification Criteria Version 2. Collection method: clinical testing. Allele origin: germline. Affected: yes. Observed: 1 variant allele.
Comment: KCNQ4: BP4, BP7

Blueprint Genetics
Classification: Likely benign. Last evaluated: 2024-08-29. Review status: criteria provided, single submitter. Criteria: ACMG Guidelines, 2015. Collection method: clinical testing. Allele origin: germline.

Genome-Nilou Lab
Classification: Likely benign for Autosomal dominant nonsyndromic hearing loss 2A. Last evaluated: 2023-04-11. Review status: criteria provided, single submitter. Criteria: ACMG Guidelines, 2015. Collection method: clinical testing. Allele origin: germline. Affected: no.

GeneDx
Classification: Likely benign. Last evaluated: 2020-09-17. Review status: criteria provided, single submitter. Criteria: GeneDx Variant Classification Process June 2021. Collection method: clinical testing. Allele origin: germline. Affected: yes.
Comment: In silico analysis supports that this variant does not alter splicing; Has not been previously published as pathogenic or benign to our knowledge

Laboratory for Molecular Medicine, Mass General Brigham Personalized Medicine
Classification: Likely benign. Last evaluated: 2012-04-30. Review status: criteria provided, single submitter. Criteria: LMM Criteria. Collection method: clinical testing. Allele origin: germline. Observed: 1 variant allele.
Comment: Glu146Glu in Exon 03 of KCNQ4: This variant is not expected to have clinical sig nificance because it does not alter an amino acid residue, is not located within the splice consensus sequence, and has been identified in 3/7020 European Ameri can chromosomes from a broad population by the NHLBI Exome Sequencing Project (dbSNP rs144434662).